The following is an entry in ClinVar:

NM_000238.4(KCNH2):c.1702T>C (p.Trp568Arg)

Gene: KCNH2 (potassium voltage-gated channel subfamily H member 2; minus strand). Cytogenetic location: 7q36.1.
Variant type: single nucleotide variant.
Coding change: c.1702T>C on transcript NM_000238.4 (MANE Select); coding-DNA position 1702, T replaced by C.
Protein change: p.Trp568Arg; replaces tryptophan 568 with arginine.
Molecular consequence: missense variant.
Genome position (GRCh38, 1-based): chr7:150,951,691, A>G on the plus strand (T>C on the coding strand, the complement: KCNH2 is on the minus strand). VCF-style: chr7-150951691-A-G. GRCh37 (hg19) VCF-style: chr7-150648779-A-G.
Other names: c.1702T>C (LRG_288t1); c.682T>C, p.Trp228Arg (NM_001204798.2, NM_172057.3); c.1414T>C, p.Trp472Arg (NM_001406753.1, NM_001406756.1); c.1525T>C, p.Trp509Arg (NM_001406755.1); c.1402T>C, p.Trp468Arg (NM_001406757.1); c.1702T>C, p.Trp568Arg (NM_172056.3); short protein forms W228R, W568R, W472R, W509R, W468R.
Identifiers: ClinVar variation 67242 (VCV000067242.3), dbSNP rs199472927, ClinGen allele CA005182.

ClinVar aggregate classification (germline): not provided (0 of 4 stars; one submission).

Conditions:
Familial long QT syndrome (RWS). Also called: Congenital long QT syndrome; Romano-Ward syndrome; VENTRICULAR FIBRILLATION WITH PROLONGED QT INTERVAL. Identifiers: Orphanet 768, MedGen C1141890, MONDO:0019171.

Submission:

Cardiovascular Biomedical Research Unit, Royal Brompton & Harefield NHS Foundation Trust
No classification provided. Condition: Familial long QT syndrome. Review status: no classification provided. Collection method: literature only. Allele origin: germline.
Comment: This variant has been reported as associated with Long QT syndrome in the following publications (PMID:16414944). This is a literature report, and does not necessarily reflect the clinical interpretation of the Imperial College / Royal Brompton Cardiovascular Genetics laboratory.

Literature cited by the submitters: PubMed 16414944; PubMed 22581653.